The following is an entry in ClinVar:

ClinVar aggregate classification (germline): Likely pathogenic (1 of 4 stars; one submission).

Conditions:
Fliedner-Zweier syndrome (FZS). Identifiers: MedGen C5882693, MONDO:0957787, OMIM 620511.

Submission:

New York Genome Center
Classification: Likely pathogenic for Fliedner-Zweier syndrome. Last evaluated: 2024-05-04. Review status: criteria provided, single submitter. Criteria: NYGC Assertion Criteria 2020. Collection method: clinical testing. Allele origin: de novo. Observed: 1 variant allele, 1 heterozygote.
Comment: The apparently de novo c.1885+2T>C variant identified in the SCAF4 gene is a single nucleotide variant within the canonical splice donor sequence of intron 15/19. This variant is predicted by in silico algorithm SpliceAI to lead to the loss of the splice donor site (delta score:0.98) which is predicted to lead to exon skipping and an out-of-frame consequence. The c.1885+2T>C variant is absent from population databases (gnomADv4.1.0, All of Us) suggesting it is not a common benign variant in the populations represented in those databases. This variant is absent from ClinVar and to our current knowledge has not been reported in affected individual in the literature, though many loss of function variants upstream, and at least one variant at an adjacent downstream position have been identified in affected individuals [PMID:32730804, 36333968, 37394306]. Given its predicted deleterious nature, absence in population databases, and presence de novo in this case, the c.1885+2T>C variant identified in the SCAF4 gene is classified as Likely Pathogenic.

NM_020706.2(SCAF4):c.1885+2T>C

Gene: SCAF4 (SR-related CTD associated factor 4; minus strand). Cytogenetic location: 21q22.11.
Variant type: single nucleotide variant.
Coding change: c.1885+2T>C on transcript NM_020706.2 (MANE Select); the canonical splice donor site of the intron after coding-DNA position 1885, T replaced by C.
Molecular consequence: splice donor variant.
Genome position (GRCh38, 1-based): chr21:31,690,795, A>G on the plus strand (T>C on the coding strand, the complement: SCAF4 is on the minus strand). VCF-style: chr21-31690795-A-G. GRCh37 (hg19) VCF-style: chr21-33063108-A-G.
Other names: c.1840+2T>C (NM_001145444.1); c.1885+2T>C (NM_001145445.1).
Identifiers: ClinVar variation 4888415 (VCV004888415.1).